The following is an entry in ClinVar:

NM_024747.6(HPS6):c.215C>T (p.Pro72Leu)

Genes: HPS6 (HPS6 biogenesis of lysosomal organelles complex 2 subunit 3; plus strand), LOC130004578 (ATAC-STARR-seq lymphoblastoid silent region 2738; plus strand). Cytogenetic location: 10q24.32.
Variant type: single nucleotide variant.
Coding change: c.215C>T on transcript NM_024747.6 (MANE Select); coding-DNA position 215, C replaced by T.
Protein change: p.Pro72Leu; replaces proline 72 with leucine.
Molecular consequence: missense variant.
Genome position (GRCh38, 1-based): chr10:102,065,689, C>T. VCF-style: chr10-102065689-C-T. GRCh37 (hg19) VCF-style: chr10-103825446-C-T.
Other names: short protein forms P72L.
Identifiers: ClinVar variation 2072423 (VCV002072423.4), dbSNP rs559316388, ClinGen allele CA212199910.

ClinVar aggregate classification (germline): Uncertain significance. Review status: criteria provided, multiple submitters, no conflicts (2 of 4 stars). 3 submissions from 3 submitters: Uncertain significance (3). Last evaluated 2025-12-15.

Conditions:
Inborn genetic diseases. Identifiers: MedGen C0950123, MeSH D030342.
Hermansky-Pudlak syndrome 6 (HPS6). Identifiers: Orphanet 231512, Orphanet 79430, MedGen C3888007, MONDO:0013558, OMIM 614075.

Allele frequency attached by ClinVar (database versions not stated): gnomAD 0.00001; TOPMed 0.00001; 1000 Genomes Project 0.00020; 1000 Genomes Project 30x 0.00031.
gnomAD v4.1: 6 of 1,518,764 alleles (0.0004%); highest among the groups gnomAD compares: Admixed American, 0.004%; no homozygotes.

Submissions (3):

Ambry Genetics
Classification: Uncertain significance for Inborn genetic diseases. Last evaluated: 2025-12-15. Review status: criteria provided, single submitter. Criteria: Ambry Variant Classification Scheme 2023. Collection method: clinical testing. Allele origin: germline.

Labcorp Genetics (formerly Invitae), Labcorp
Classification: Uncertain significance. Last evaluated: 2025-11-28. Review status: criteria provided, single submitter. Criteria: Invitae Variant Classification Sherloc (09022015). Collection method: clinical testing. Allele origin: germline.
Comment: This sequence change replaces proline, which is neutral and non-polar, with leucine, which is neutral and non-polar, at codon 72 of the HPS6 protein (p.Pro72Leu). This variant is not present in population databases (gnomAD no frequency). This variant has not been reported in the literature in individuals affected with HPS6-related conditions. ClinVar contains an entry for this variant (Variation ID: 2072423). Invitae Evidence Modeling of protein sequence and biophysical properties (such as structural, functional, and spatial information, amino acid conservation, physicochemical variation, residue mobility, and thermodynamic stability) indicates that this missense variant is not expected to disrupt HPS6 protein function with a negative predictive value of 80%. In summary, the available evidence is currently insufficient to determine the role of this variant in disease. Therefore, it has been classified as a Variant of Uncertain Significance.

Department of Pathology and Laboratory Medicine, Sinai Health System
Classification: Uncertain significance for Hermansky-Pudlak syndrome 6. Last evaluated: 2021-07-30. Review status: criteria provided, single submitter. Criteria: ACMG Guidelines, 2015. Collection method: research. Allele origin: germline.